The following is an entry in ClinVar:

ClinVar aggregate classification (germline): Uncertain significance. Review status: criteria provided, multiple submitters, no conflicts (2 of 4 stars). 3 submissions from 3 submitters: Uncertain significance (3). Last evaluated 2026-03-27.

Conditions:
PKD1-related disorder. Also called: PKD1-related condition.
Polycystic kidney disease, adult type (PKD1). Also called: Polycystic Kidney Disease 1, Autosomal Dominant; Polycystic kidney disease 1; Polycystic kidney disease 1, severe; POLYCYSTIC KIDNEY DISEASE 1 WITH OR WITHOUT POLYCYSTIC LIVER DISEASE; POLYCYSTIC KIDNEY DISEASE, ADULT, TYPE I; Polycystic Kidney, Autosomal Dominant. Identifiers: MedGen C3149841, MONDO:0008263, OMIM 173900.

gnomAD v4.1: 34 of 1,584,176 alleles (0.0021%); highest among the groups gnomAD compares: Non-Finnish European, 0.0027%; no homozygotes.

Submissions (3):

PreventionGenetics, part of Exact Sciences
Classification: Uncertain significance for PKD1-related condition. Last evaluated: 2026-03-27. Review status: criteria provided, single submitter. Criteria: ACMG Guidelines, 2015. Collection method: clinical testing. Allele origin: germline.
Comment: The PKD1 c.1412C>T variant is predicted to result in the amino acid substitution p.Ser471Leu. This variant has been reported in an individual with polycystic kidney disease (Rossetti et al. 2012. PubMed ID: 22383692). This variant is reported in 0.0050% of alleles in individuals of European (Non-Finnish) descent in gnomAD. At this time, the clinical significance of this variant is uncertain due to the absence of conclusive functional and genetic evidence.

Fulgent Genetics
Classification: Uncertain significance for Polycystic kidney disease, adult type. Last evaluated: 2024-05-06. Review status: criteria provided, single submitter. Criteria: ACMG Guidelines, 2015. Collection method: clinical testing. Allele origin: germline.

GeneDx
Classification: Uncertain significance. Last evaluated: 2023-11-30. Review status: criteria provided, single submitter. Criteria: GeneDx Variant Classification Process June 2021. Collection method: clinical testing. Allele origin: germline. Affected: yes.
Comment: In silico analysis supports that this missense variant does not alter protein structure/function; This variant is associated with the following publications: (PMID: 22383692)

NM_001009944.3(PKD1):c.1412C>T (p.Ser471Leu)

Gene: PKD1 (polycystin 1, transient receptor potential channel interacting; minus strand). Cytogenetic location: 16p13.3.
Variant type: single nucleotide variant.
Coding change: c.1412C>T on transcript NM_001009944.3 (MANE Select); coding-DNA position 1412, C replaced by T.
Protein change: p.Ser471Leu; replaces serine 471 with leucine.
Molecular consequence: missense variant.
Genome position (GRCh38, 1-based): chr16:2,117,027, G>A on the plus strand (C>T on the coding strand, the complement: PKD1 is on the minus strand). VCF-style: chr16-2117027-G-A. GRCh37 (hg19) VCF-style: chr16-2167028-G-A.
Other names: c.1412C>T, p.Ser471Leu (NM_000296.4); short protein forms S471L.
Identifiers: ClinVar variation 3338787 (VCV003338787.3).